The following is an entry in ClinVar:

NM_018109.4(MTPAP):c.1533G>C (p.Gln511His)

Gene: MTPAP (mitochondrial poly(A) polymerase; minus strand). Cytogenetic location: 10p11.23.
Variant type: single nucleotide variant.
Coding change: c.1533G>C on transcript NM_018109.4 (MANE Select); coding-DNA position 1533, G replaced by C.
Protein change: p.Gln511His; replaces glutamine 511 with histidine.
Molecular consequence: missense variant.
Genome position (GRCh38, 1-based): chr10:30,313,825, C>G on the plus strand (G>C on the coding strand, the complement: MTPAP is on the minus strand). VCF-style: chr10-30313825-C-G. GRCh37 (hg19) VCF-style: chr10-30602754-C-G.
Other names: c.1533G>C (NM_018109.3); short protein forms Q511H.
Identifiers: ClinVar variation 1365285 (VCV001365285.6), dbSNP rs199956765, ClinGen allele CA5458931.
Genomic context (GRCh38, chr10:30,313,825, plus strand): 5'-CAATAGGGATACCAGCCCCCAGGGCCGATTACTTGATATGGAAGGTCGATCTGTATCTTC[C>G]TGTTGTAAAATCCAGGCACTTTCTCGGGCCAAATCTACAAATTTTTGCAGCTGGCTTTGA-3'
Protein context (NP_060579.3, residues 501-521): LARESAWILQ[Gln511His]EDTDRPSISS

ClinVar aggregate classification (germline): Uncertain significance. Review status: criteria provided, multiple submitters, no conflicts (2 of 4 stars). 4 submissions from 4 submitters: Uncertain significance (4). Last evaluated 2025-08-14.

Conditions:
Inborn genetic diseases. Identifiers: MedGen C0950123, MeSH D030342.

Allele frequency attached by ClinVar (database versions not stated): 1000 Genomes Project 30x 0.00047; ExAC 0.00002; gnomAD 0.00019; 1000 Genomes Project 0.00060; gnomAD exomes 0.00002; TOPMed 0.00050.
gnomAD v4.1: 56 of 1,614,186 alleles (0.0035%); highest among the groups gnomAD compares: Admixed American, 0.068%; no homozygotes.

Submissions (4):

GeneDx
Classification: Uncertain significance. Last evaluated: 2025-08-14. Review status: criteria provided, single submitter. Criteria: GeneDx Variant Classification Process June 2021. Collection method: clinical testing. Allele origin: germline. Affected: yes.
Comment: Not observed at significant frequency in large population cohorts (gnomAD); In silico analysis supports that this missense variant has a deleterious effect on protein structure/function; Has not been previously published as pathogenic or benign to our knowledge

Ambry Genetics
Classification: Uncertain significance for Inborn genetic diseases. Last evaluated: 2025-07-31. Review status: criteria provided, single submitter. Criteria: Ambry Variant Classification Scheme 2023. Collection method: clinical testing. Allele origin: germline.

Athena Diagnostics
Classification: Uncertain significance. Last evaluated: 2024-05-20. Review status: criteria provided, single submitter. Criteria: Athena Diagnostics Criteria. Collection method: clinical testing. Allele origin: unknown.
Comment: Available data are insufficient to determine the clinical significance of the variant at this time. The frequency of this variant in the general population is uninformative in assessment of its pathogenicity. Polyphen and MutationTaster yielded discordant predictions regarding whether this amino acid change is damaging to the protein.

Labcorp Genetics (formerly Invitae), Labcorp
Classification: Uncertain significance. Last evaluated: 2022-10-17. Review status: criteria provided, single submitter. Criteria: Invitae Variant Classification Sherloc (09022015). Collection method: clinical testing. Allele origin: germline.
Comment: This sequence change replaces glutamine, which is neutral and polar, with histidine, which is basic and polar, at codon 511 of the MTPAP protein (p.Gln511His). This variant is present in population databases (rs199956765, gnomAD 0.01%). This variant has not been reported in the literature in individuals affected with MTPAP-related conditions. ClinVar contains an entry for this variant (Variation ID: 1365285). Advanced modeling of protein sequence and biophysical properties (such as structural, functional, and spatial information, amino acid conservation, physicochemical variation, residue mobility, and thermodynamic stability) performed at Invitae indicates that this missense variant is not expected to disrupt MTPAP protein function. In summary, the available evidence is currently insufficient to determine the role of this variant in disease. Therefore, it has been classified as a Variant of Uncertain Significance.